The following is an entry in ClinVar:

NM_000214.3(JAG1):c.2198G>C (p.Gly733Ala)

Gene: JAG1 (jagged canonical Notch ligand 1; minus strand). Cytogenetic location: 20p12.2.
Variant type: single nucleotide variant.
Coding change: c.2198G>C on transcript NM_000214.3 (MANE Select); coding-DNA position 2198, G replaced by C.
Protein change: p.Gly733Ala; replaces glycine 733 with alanine.
Molecular consequence: missense variant.
Genome position (GRCh38, 1-based): chr20:10,645,172, C>G on the plus strand (G>C on the coding strand, the complement: JAG1 is on the minus strand). VCF-style: chr20-10645172-C-G. GRCh37 (hg19) VCF-style: chr20-10625820-C-G.
Other names: c.2198G>C (NM_000214.2); short protein forms G733A.
Identifiers: ClinVar variation 2051698 (VCV002051698.6), dbSNP rs779874619, ClinGen allele CA9764609.

ClinVar aggregate classification (germline): Likely benign. Review status: criteria provided, multiple submitters, no conflicts (2 of 4 stars). 3 submissions from 3 submitters: Likely benign (2). 1 of the submissions does not count toward it. Last evaluated 2025-04-23.

Conditions:
JAG1-related disorder. Also called: JAG1-related disorders; JAG1-related condition.
Alagille syndrome due to a JAG1 point mutation. Also called: HEPATIC DUCTULAR HYPOPLASIA, SYNDROMATIC; JAG1-Related Alagille Syndrome; Alagille Syndrome 1. Identifiers: Orphanet 261619, Orphanet 52, MedGen C1956125, MONDO:0016862, OMIM 118450.

Allele frequency attached by ClinVar (database versions not stated): ExAC 0.00001.
gnomAD v4.1: 12 of 1,614,088 alleles (0.00074%); highest among the groups gnomAD compares: Non-Finnish European, 0.00093%; no homozygotes.

Submissions (3):

Labcorp Genetics (formerly Invitae), Labcorp
Classification: Likely benign for Alagille syndrome due to a JAG1 point mutation. Last evaluated: 2025-04-23. Review status: criteria provided, single submitter. Criteria: Invitae Variant Classification Sherloc (09022015). Collection method: clinical testing. Allele origin: germline.

Laboratory of Genetics, Children's Clinical University Hospital Latvia
Classification: Likely benign. Last evaluated: 2025-02-16. Review status: criteria provided, single submitter. Criteria: ACMG Guidelines, 2015. Collection method: clinical testing. Allele origin: germline. Affected: yes.

PreventionGenetics, part of Exact Sciences
Classification: Uncertain significance for JAG1-related condition. Last evaluated: 2024-08-01. Review status: no assertion criteria provided. Collection method: clinical testing. Allele origin: germline. Not counted in ClinVar's aggregate classification.
Comment: The JAG1 c.2198G>C variant is predicted to result in the amino acid substitution p.Gly733Ala. To our knowledge, this variant has not been reported in the literature. This variant is reported in 0.0023% of alleles in individuals of European (non-Finnish) descent in gnomAD. At this time, the clinical significance of this variant is uncertain due to the absence of conclusive functional and genetic evidence.